The following is an entry in ClinVar:

NM_170675.5(MEIS2):c.242A>T (p.Tyr81Phe)

Gene: MEIS2 (Meis homeobox 2; minus strand). Cytogenetic location: 15q14.
Variant type: single nucleotide variant.
Coding change: c.242A>T on transcript NM_170675.5 (MANE Select); coding-DNA position 242, A replaced by T.
Protein change: p.Tyr81Phe; replaces tyrosine 81 with phenylalanine.
Molecular consequence: missense variant. On other transcripts: initiator codon variant (1), non-coding transcript variant (1).
Genome position (GRCh38, 1-based): chr15:37,097,970, T>A on the plus strand (A>T on the coding strand, the complement: MEIS2 is on the minus strand). VCF-style: chr15-37097970-T-A. GRCh37 (hg19) VCF-style: chr15-37390171-T-A.
Other names: c.242A>T, p.Tyr81Phe (NM_001220482.2, NM_170674.5, NM_170676.5 and 1 more transcripts); c.203A>T, p.Tyr68Phe (NM_002399.4, NM_172315.3); c.1A>T, p.Met1Leu (NM_172316.3); short protein forms M1L, Y68F, Y81F.
Identifiers: ClinVar variation 2572912 (VCV002572912.2), dbSNP rs2505268737, ClinGen allele CA391928819.

ClinVar aggregate classification (germline): Uncertain significance (1 of 4 stars; one submission).

Submission:

GeneDx
Classification: Uncertain significance. Last evaluated: 2023-01-17. Review status: criteria provided, single submitter. Criteria: GeneDx Variant Classification Process June 2021. Collection method: clinical testing. Allele origin: germline. Affected: yes.
Comment: Not observed at significant frequency in large population cohorts (gnomAD); In silico analysis supports that this missense variant has a deleterious effect on protein structure/function; Has not been previously published as pathogenic or benign to our knowledge